The following is an entry in ClinVar:

NM_000179.3(MSH6):c.1102G>A (p.Glu368Lys)

Gene: MSH6 (mutS homolog 6; plus strand). Cytogenetic location: 2p16.3.
Variant type: single nucleotide variant.
Coding change: c.1102G>A on transcript NM_000179.3 (MANE Select); coding-DNA position 1102, G replaced by A.
Protein change: p.Glu368Lys; replaces glutamic acid 368 with lysine.
Molecular consequence: missense variant.
Genome position (GRCh38, 1-based): chr2:47,799,085, G>A. VCF-style: chr2-47799085-G-A. GRCh37 (hg19) VCF-style: chr2-48026224-G-A.
Other names: c.712G>A, p.Glu238Lys (NM_001281492.2); c.196G>A, p.Glu66Lys (NM_001281493.2, NM_001281494.2); short protein forms E238K, E368K, E66K.
Identifiers: ClinVar variation 822176 (VCV000822176.13), dbSNP rs1572721686, ClinGen allele CA346741920.
Genomic context (GRCh38, chr2:47,799,085, plus strand): 5'-TCCCAAGCCCACGTTAGTGGAGGTGGTGATGACAGTAGTCGCCCTACTGTTTGGTATCAT[G>A]AAACTTTAGAATGGCTTAAGGAGGAAAAGAGAAGAGATGAGCACAGGAGGAGGCCTGATC-3'
Protein context (NP_000170.1, residues 358-378): DSSRPTVWYH[Glu368Lys]TLEWLKEEKR

ClinVar aggregate classification (germline): Uncertain significance. Review status: criteria provided, multiple submitters, no conflicts (2 of 4 stars). 3 submissions from 3 submitters: Uncertain significance (3). Last evaluated 2025-07-22.

Conditions:
Hereditary nonpolyposis colorectal neoplasms. Identifiers: MedGen C0009405, MeSH D003123.
Hereditary cancer-predisposing syndrome. Also called: Tumor predisposition; Hereditary Cancer Syndrome; Neoplastic Syndromes, Hereditary; Hereditary neoplastic syndrome. Identifiers: Orphanet 140162, MedGen C0027672, MeSH D009386, MONDO:0015356.

gnomAD v4.1: 1 of 1,614,172 alleles (0.000062%); no homozygotes.

Submissions (3):

Labcorp Genetics (formerly Invitae), Labcorp
Classification: Uncertain significance for Hereditary nonpolyposis colorectal neoplasms. Last evaluated: 2025-07-22. Review status: criteria provided, single submitter. Criteria: Invitae Variant Classification Sherloc (09022015). Collection method: clinical testing. Allele origin: germline.
Comment: This sequence change replaces glutamic acid, which is acidic and polar, with lysine, which is basic and polar, at codon 368 of the MSH6 protein (p.Glu368Lys). This variant is not present in population databases (gnomAD no frequency). This missense change has been observed in individual(s) with a personal and family history of cancer (PMID: 35534704). ClinVar contains an entry for this variant (Variation ID: 822176). Invitae Evidence Modeling of protein sequence and biophysical properties (such as structural, functional, and spatial information, amino acid conservation, physicochemical variation, residue mobility, and thermodynamic stability) indicates that this missense variant is not expected to disrupt MSH6 protein function with a negative predictive value of 95%. In summary, the available evidence is currently insufficient to determine the role of this variant in disease. Therefore, it has been classified as a Variant of Uncertain Significance.

Color Diagnostics, LLC DBA Color Health
Classification: Uncertain significance for Hereditary cancer-predisposing syndrome. Last evaluated: 2025-07-07. Review status: criteria provided, single submitter. Criteria: ACMG Guidelines, 2015. Collection method: clinical testing. Allele origin: germline.
Comment: This missense variant replaces glutamic acid with lysine at codon 368 of the MSH6 protein. Computational prediction is inconclusive regarding the impact of this variant on protein structure and function. To our knowledge, functional studies have not been reported for this variant. This variant has not been reported in individuals affected with MSH6-related disorders in the literature. This variant has not been identified in the general population by the Genome Aggregation Database (gnomAD). The available evidence is insufficient to determine the role of this variant in disease conclusively. Therefore, this variant is classified as a Variant of Uncertain Significance.

Ambry Genetics
Classification: Uncertain significance for Hereditary cancer-predisposing syndrome. Last evaluated: 2023-03-09. Review status: criteria provided, single submitter. Criteria: Ambry Variant Classification Scheme 2023. Collection method: clinical testing. Allele origin: germline.
Comment: The p.E368K variant (also known as c.1102G>A), located in coding exon 4 of the MSH6 gene, results from a G to A substitution at nucleotide position 1102. The glutamic acid at codon 368 is replaced by lysine, an amino acid with similar properties. This amino acid position is highly conserved in available vertebrate species. In addition, this alteration is predicted to be deleterious by in silico analysis. Since supporting evidence is limited at this time, the clinical significance of this alteration remains unclear.

Literature cited by the submitters: PubMed 35534704 (cited by Labcorp Genetics (formerly Invitae), Labcorp).